The following is an entry in ClinVar:

NM_000124.4(ERCC6):c.1914T>A (p.Tyr638Ter)

Gene: ERCC6 (ERCC excision repair 6, chromatin remodeling factor; minus strand). Cytogenetic location: 10q11.23.
Variant type: single nucleotide variant.
Coding change: c.1914T>A on transcript NM_000124.4 (MANE Select); coding-DNA position 1914, T replaced by A.
Protein change: p.Tyr638Ter; replaces tyrosine 638 with a stop codon.
Molecular consequence: nonsense.
Genome position (GRCh38, 1-based): chr10:49,483,424, A>T on the plus strand (T>A on the coding strand, the complement: ERCC6 is on the minus strand). VCF-style: chr10-49483424-A-T. GRCh37 (hg19) VCF-style: chr10-50691470-A-T.
Other names: c.1914T>A, p.Tyr638Ter (NM_001346440.2); short protein forms Y638*.
Identifiers: ClinVar variation 1726378 (VCV001726378.2), dbSNP rs754025384, ClinGen allele CA376724923.

ClinVar aggregate classification (germline): Likely pathogenic (1 of 4 stars; one submission).

Conditions:
Cockayne syndrome type 2 (CSB). Also called: COCKAYNE SYNDROME B; Cockayne Syndrome, Type II. Identifiers: Orphanet 191, Orphanet 90322, MedGen C0751038, MONDO:0019570, OMIM 133540.

Submission:

Myriad Genetics, Inc.
Classification: Likely pathogenic for Cockayne syndrome type 2. Last evaluated: 2021-12-16. Review status: criteria provided, single submitter. Criteria: Myriad Women's Health Autosomal Recessive and X-Linked Classification Criteria (2021). Collection method: clinical testing. Allele origin: unknown.
Comment: NM_000124.2(ERCC6):c.1914T>A(Y638*) is expected to be pathogenic in the context of ERCC6-related disorders. This variant is predicted to lead to an abnormal or absent protein product due to the creation of a premature termination codon in ERCC6, a gene where loss-of-function variants are known to be pathogenic. Please note: this variant was assessed in the context of healthy population screening.